The following is an entry in ClinVar:

NM_001006630.2(CHRM2):c.1148A>G (p.Lys383Arg)

Genes: CHRM2 (cholinergic receptor muscarinic 2; plus strand), LOC349160 (uncharacterized LOC349160; minus strand). Cytogenetic location: 7q33.
Variant type: single nucleotide variant.
Coding change: c.1148A>G on transcript NM_001006630.2 (MANE Select); coding-DNA position 1148, A replaced by G.
Protein change: p.Lys383Arg; replaces lysine 383 with arginine.
Molecular consequence: missense variant.
Genome position (GRCh38, 1-based): chr7:137,016,013, A>G. VCF-style: chr7-137016013-A-G. GRCh37 (hg19) VCF-style: chr7-136700760-A-G.
Other names: c.1148A>G, p.Lys383Arg (NM_000739.3, NM_001006626.3, NM_001006627.3 and 6 more transcripts); short protein forms K383R.
Identifiers: ClinVar variation 2085109 (VCV002085109.4), dbSNP rs141243227, ClinGen allele CA167698579.

ClinVar aggregate classification (germline): Uncertain significance (1 of 4 stars; one submission).

Allele frequency attached by ClinVar (database versions not stated): gnomAD 0.00001; gnomAD exomes below 0.00001; TOPMed 0.00001; ESP Exome Variant Server 0.00008.
gnomAD v4.1: 3 of 1,613,020 alleles (0.00019%); highest among the groups gnomAD compares: Non-Finnish European, 0.00025%; no homozygotes.

Submission:

Labcorp Genetics (formerly Invitae), Labcorp
Classification: Uncertain significance. Last evaluated: 2022-06-09. Review status: criteria provided, single submitter. Criteria: Invitae Variant Classification Sherloc (09022015). Collection method: clinical testing. Allele origin: germline.
Comment: In summary, the available evidence is currently insufficient to determine the role of this variant in disease. Therefore, it has been classified as a Variant of Uncertain Significance. Algorithms developed to predict the effect of missense changes on protein structure and function (SIFT, PolyPhen-2, Align-GVGD) all suggest that this variant is likely to be tolerated. This variant has not been reported in the literature in individuals affected with CHRM2-related conditions. This variant is not present in population databases (gnomAD no frequency). This sequence change replaces lysine, which is basic and polar, with arginine, which is basic and polar, at codon 383 of the CHRM2 protein (p.Lys383Arg).